The following is an entry in ClinVar:

NM_002337.4(LRPAP1):c.982G>C (p.Glu328Gln)

Genes: LRPAP1 (LDL receptor related protein associated protein 1; minus strand), LOC126806953 (P300/CBP strongly-dependent group 1 enhancer GRCh37_chr4:3516456-3517655; plus strand). Cytogenetic location: 4p16.3.
Variant type: single nucleotide variant.
Coding change: c.982G>C on transcript NM_002337.4 (MANE Select); coding-DNA position 982, G replaced by C.
Protein change: p.Glu328Gln; replaces glutamic acid 328 with glutamine.
Molecular consequence: missense variant. On other transcripts: non-coding transcript variant (1).
Genome position (GRCh38, 1-based): chr4:3,514,781, C>G on the plus strand (G>C on the coding strand, the complement: LRPAP1 is on the minus strand). VCF-style: chr4-3514781-C-G. GRCh37 (hg19) VCF-style: chr4-3516508-C-G.
Other names: short protein forms E328Q.
Identifiers: ClinVar variation 3781076 (VCV003781076.1).

ClinVar aggregate classification (germline): Uncertain significance (1 of 4 stars; one submission).

Submission:

GeneDx
Classification: Uncertain significance. Last evaluated: 2024-10-15. Review status: criteria provided, single submitter. Criteria: GeneDx Variant Classification Process June 2021. Collection method: clinical testing. Allele origin: germline. Affected: yes.
Comment: Not observed at significant frequency in large population cohorts (gnomAD); In silico analysis indicates that this missense variant does not alter protein structure/function; Has not been previously published as pathogenic or benign to our knowledge